The following is an entry in ClinVar:

ClinVar aggregate classification (germline): Benign/Likely benign. Review status: criteria provided, multiple submitters, no conflicts (2 of 4 stars). 2 submissions from 2 submitters: Benign (1); Likely benign (1). Last evaluated 2023-01-01.

Allele frequency attached by ClinVar (database versions not stated): 1000 Genomes Project 30x 0.00219; 1000 Genomes Project 0.00220; ESP Exome Variant Server 0.00324; gnomAD exomes 0.00405 and 0.00480; TOPMed 0.00415; gnomAD 0.00423 and 0.00432; ExAC 0.00622.
gnomAD v4.1: 7,669 of 1,605,106 alleles (0.48%); highest among the groups gnomAD compares: Non-Finnish European, 0.53%; 22 homozygotes.

Submissions (2):

CeGaT Center for Human Genetics Tuebingen
Classification: Likely benign. Last evaluated: 2023-01-01. Review status: criteria provided, single submitter. Criteria: CeGaT Center For Human Genetics Tuebingen Variant Classification Criteria Version 2. Collection method: clinical testing. Allele origin: germline. Affected: yes. Observed: 1 variant allele.
Comment: OSGIN1: BP4, BS2

Labcorp Genetics (formerly Invitae), Labcorp
Classification: Benign. Last evaluated: 2018-03-29. Review status: criteria provided, single submitter. Criteria: Invitae Variant Classification Sherloc (09022015). Collection method: clinical testing. Allele origin: germline.

NM_182981.3(OSGIN1):c.37A>C (p.Ser13Arg)

Gene: OSGIN1 (oxidative stress induced growth inhibitor 1; plus strand). Cytogenetic location: 16q23.3.
Variant type: single nucleotide variant.
Coding change: c.37A>C on transcript NM_182981.3 (MANE Select); coding-DNA position 37, A replaced by C.
Protein change: p.Ser13Arg; replaces serine 13 with arginine.
Molecular consequence: missense variant.
Genome position (GRCh38, 1-based): chr16:83,957,708, A>C. VCF-style: chr16-83957708-A-C. GRCh37 (hg19) VCF-style: chr16-83991313-A-C.
Other names: short protein forms S13R.
Identifiers: ClinVar variation 782018 (VCV000782018.27), dbSNP rs148139055, ClinGen allele CA8197925.